The following is an entry in ClinVar:

NM_002386.4(MC1R):c.26G>A (p.Arg9Lys)

Gene: MC1R (melanocortin 1 receptor; plus strand). Cytogenetic location: 16q24.3.
Variant type: single nucleotide variant.
Coding change: c.26G>A on transcript NM_002386.4 (MANE Select); coding-DNA position 26, G replaced by A.
Protein change: p.Arg9Lys; replaces arginine 9 with lysine.
Molecular consequence: missense variant.
Genome position (GRCh38, 1-based): chr16:89,919,284, G>A. VCF-style: chr16-89919284-G-A. GRCh37 (hg19) VCF-style: chr16-89985692-G-A.
Other names: short protein forms R9K.
Identifiers: ClinVar variation 4859638 (VCV004859638.1).

ClinVar aggregate classification (germline): Uncertain significance (1 of 4 stars; one submission).

Submission:

Ambry Genetics
Classification: Uncertain significance. Last evaluated: 2026-03-17. Review status: criteria provided, single submitter. Criteria: Ambry Variant Classification Scheme 2023. Collection method: clinical testing. Allele origin: germline.
Comment: The p.R9K variant (also known as c.26G>A), located in coding exon 1 of the MC1R gene, results from a G to A substitution at nucleotide position 26. The arginine at codon 9 is replaced by lysine, an amino acid with highly similar properties. This amino acid position is conserved. In addition, this alteration is predicted to be tolerated by in silico analysis. Based on the available evidence, the clinical significance of this variant remains unclear.